The following is an entry in ClinVar:

ClinVar aggregate classification (germline): Uncertain significance. Review status: criteria provided, multiple submitters, no conflicts (2 of 4 stars). 3 submissions from 3 submitters: Uncertain significance (3). Last evaluated 2026-06-09.

Conditions:
Hereditary breast ovarian cancer syndrome. Also called: Hereditary breast and ovarian cancer syndrome; BRCA1- and BRCA2-Associated Hereditary Breast and Ovarian Cancer; Hereditary breast and ovarian cancer; Breast and ovarian cancer; Hereditary breast and ovarian cancer syndrome (HBOC); Hereditary breast and/or ovarian cancer syndrome. Identifiers: Orphanet 145, MedGen C0677776, MeSH D061325, MONDO:0003582. Disease mechanism: loss of function.
Familial cancer of breast. Also called: BREAST CANCER, FAMILIAL; hereditary breast carcinoma; Hereditary breast cancer. Identifiers: Orphanet 227535, MedGen C0346153, MONDO:0016419, OMIM 114480. Disease mechanism: loss of function.
Hereditary cancer-predisposing syndrome. Also called: Hereditary Cancer Syndrome; Tumor predisposition; Neoplastic Syndromes, Hereditary; Hereditary neoplastic syndrome. Identifiers: Orphanet 140162, MedGen C0027672, MeSH D009386, MONDO:0015356.

Submissions (3):

German Consortium for Hereditary Breast and Ovarian Cancer, University Hospital Cologne
Classification: Uncertain significance for Hereditary breast ovarian cancer syndrome. Last evaluated: 2026-06-09. Review status: criteria provided, single submitter. Criteria: ACMG SVI. Collection method: curation. Allele origin: germline.
Comment: This classification follows the ACMG SVI adaptation classification scheme; We chose these criteria: PM2 (supporting pathogenic): absent from gnomAD v.4.1, BP4 (supporting benign): REVEL: <0.249 (SpliceAI ≤ 0.1)

Ambry Genetics
Classification: Uncertain significance for Hereditary cancer-predisposing syndrome. Last evaluated: 2025-05-18. Review status: criteria provided, single submitter. Criteria: Ambry Variant Classification Scheme 2023. Collection method: clinical testing. Allele origin: germline.
Comment: The p.I258F variant (also known as c.772A>T), located in coding exon 5 of the CHEK2 gene, results from an A to T substitution at nucleotide position 772. The isoleucine at codon 258 is replaced by phenylalanine, an amino acid with highly similar properties. This amino acid position is not well conserved in available vertebrate species. In addition, the in silico prediction for this alteration is inconclusive. Based on the available evidence, the clinical significance of this variant remains unclear.

Labcorp Genetics (formerly Invitae), Labcorp
Classification: Uncertain significance for Familial cancer of breast. Last evaluated: 2016-10-16. Review status: criteria provided, single submitter. Criteria: Invitae Variant Classification Sherloc (09022015). Collection method: clinical testing. Allele origin: germline.
Comment: This variant is not present in population databases (ExAC no frequency) and has not been reported in the literature in individuals with a CHEK2-related disease. In summary, this variant is a novel missense change that is not predicted to affect protein function. There is no indication that it causes disease, but the available evidence is currently insufficient to prove that conclusively. Therefore, it has been classified as a Variant of Uncertain Significance. Algorithms developed to predict the effect of missense changes on protein structure and function (SIFT, PolyPhen-2, Align-GVGD) all suggest that this variant is likely to be tolerated, but these predictions have not been confirmed by published functional studies. This sequence change replaces isoleucine with phenylalanine at codon 258 of the CHEK2 protein (p.Ile258Phe). The isoleucine residue is weakly conserved and there is a small physicochemical difference between isoleucine and phenylalanine.

NM_007194.4(CHEK2):c.772A>T (p.Ile258Phe)

Gene: CHEK2 (checkpoint kinase 2; minus strand). Cytogenetic location: 22q12.1.
Variant type: single nucleotide variant.
Coding change: c.772A>T on transcript NM_007194.4 (MANE Select); coding-DNA position 772, A replaced by T.
Protein change: p.Ile258Phe; replaces isoleucine 258 with phenylalanine.
Molecular consequence: missense variant.
Genome position (GRCh38, 1-based): chr22:28,711,929, T>A on the plus strand (A>T on the coding strand, the complement: CHEK2 is on the minus strand). VCF-style: chr22-28711929-T-A. GRCh37 (hg19) VCF-style: chr22-29107917-T-A.
Other names: c.109A>T, p.Ile37Phe (NM_001257387.3); c.571A>T, p.Ile191Phe (NM_001349956.3); c.772A>T, p.Ile258Phe (NM_145862.3); c.901A>T, p.Ile301Phe (NM_001005735.3); short protein forms I258F, I301F, I191F, I37F.
Identifiers: ClinVar variation 410007 (VCV000410007.11), dbSNP rs876658690, ClinGen allele CA16616336.
Genomic context (GRCh38, chr22:28,711,929, plus strand): 5'-CGTGTTAATAAAAGGTGATCAGCCTTTTATTGGTACTTACTGCCTCTCTTGCTGAACCAA[T>A]AGCAAACTTCCTTTTGCTGATGATCTTTATGGCTACTTTCTTACATGTTTTCCTCTCGAA-3'
Protein context (NP_009125.1, residues 248-268): IKIISKRKFA[Ile258Phe]GSAREADPAL